The following is an entry in ClinVar:

NM_021930.6(RINT1):c.1868A>G (p.Lys623Arg)

Gene: RINT1 (RAD50 interactor 1; plus strand). Cytogenetic location: 7q22.3.
Variant type: single nucleotide variant.
Coding change: c.1868A>G on transcript NM_021930.6 (MANE Select); coding-DNA position 1868, A replaced by G.
Protein change: p.Lys623Arg; replaces lysine 623 with arginine.
Molecular consequence: missense variant. On other transcripts: non-coding transcript variant (1).
Genome position (GRCh38, 1-based): chr7:105,563,929, A>G. VCF-style: chr7-105563929-A-G. GRCh37 (hg19) VCF-style: chr7-105204376-A-G.
Other names: c.1634A>G, p.Lys545Arg (NM_001346599.2); c.845A>G, p.Lys282Arg (NM_001346600.2, NM_001346603.2); c.944A>G, p.Lys315Arg (NM_001346601.2); short protein forms K282R, K315R, K545R, K623R.
Identifiers: ClinVar variation 2447149 (VCV002447149.2), dbSNP rs1791566920, ClinGen allele CA368814269.

ClinVar aggregate classification (germline): Uncertain significance (1 of 4 stars; one submission).

Allele frequency attached by ClinVar (database versions not stated): TOPMed below 0.00001.

Submission:

Ambry Genetics
Classification: Uncertain significance. Last evaluated: 2022-11-10. Review status: criteria provided, single submitter. Criteria: Ambry Variant Classification Scheme 2023. Collection method: clinical testing. Allele origin: germline.
Comment: The p.K623R variant (also known as c.1868A>G), located in coding exon 12 of the RINT1 gene, results from an A to G substitution at nucleotide position 1868. The lysine at codon 623 is replaced by arginine, an amino acid with highly similar properties. This amino acid position is conserved. In addition, this alteration is predicted to be tolerated by in silico analysis. Since supporting evidence is limited at this time, the clinical significance of this alteration remains unclear.